The following is an entry in ClinVar:

ClinVar aggregate classification (germline): Uncertain significance (1 of 4 stars; one submission).

gnomAD v4.1: 4 of 1,613,958 alleles (0.00025%); highest among the groups gnomAD compares: Non-Finnish European, 0.00034%; no homozygotes.

Submission:

Labcorp Genetics (formerly Invitae), Labcorp
Classification: Uncertain significance. Last evaluated: 2023-04-28. Review status: criteria provided, single submitter. Criteria: Invitae Variant Classification Sherloc (09022015). Collection method: clinical testing. Allele origin: germline.
Comment: In summary, the available evidence is currently insufficient to determine the role of this variant in disease. Therefore, it has been classified as a Variant of Uncertain Significance. An algorithm developed to predict the effect of missense changes on protein structure and function (PolyPhen-2) suggests that this variant is likely to be disruptive. This variant has not been reported in the literature in individuals affected with SOX5-related conditions. This variant is not present in population databases (gnomAD no frequency). This sequence change replaces arginine, which is basic and polar, with glutamine, which is neutral and polar, at codon 472 of the SOX5 protein (p.Arg472Gln).

NM_006940.6(SOX5):c.1415G>A (p.Arg472Gln)

Gene: SOX5 (SRY-box transcription factor 5; minus strand). Cytogenetic location: 12p12.1.
Variant type: single nucleotide variant.
Coding change: c.1415G>A on transcript NM_006940.6 (MANE Select); coding-DNA position 1415, G replaced by A.
Protein change: p.Arg472Gln; replaces arginine 472 with glutamine.
Molecular consequence: missense variant. On other transcripts: intron variant (1).
Genome position (GRCh38, 1-based): chr12:23,563,331, C>T on the plus strand (G>A on the coding strand, the complement: SOX5 is on the minus strand). VCF-style: chr12-23563331-C-T. GRCh37 (hg19) VCF-style: chr12-23716265-C-T.
Other names: c.1385G>A, p.Arg462Gln (NM_001261415.3); c.1310G>A, p.Arg437Gln (NM_001330785.2); c.1376G>A, p.Arg459Gln (NM_152989.5); c.257G>A, p.Arg86Gln (NM_178010.4); c.1126-16907G>A (NM_001261414.3); short protein forms R437Q, R472Q, R86Q, R459Q, R462Q.
Identifiers: ClinVar variation 2859216 (VCV002859216.3), dbSNP rs2547996437, ClinGen allele CA384317095.
Genomic context (GRCh38, chr12:23,563,331, plus strand): 5'-CAGTTATTGAGACCCAGACTATTCACAACAGCCACCTTCCCATCAAGCACCTGTTGTTCC[C>T]GTCGGAGTTGCTCCTTCATTTGCCGAGCTTCTTGGATTGCCTTGGTGACAGCATCATGGT-3'
Protein context (NP_008871.3, residues 462-482): EARQMKEQLR[Arg472Gln]EQQVLDGKVA